The following is an entry in ClinVar:

ClinVar aggregate classification (germline): Uncertain significance (1 of 4 stars; one submission).

Submission:

Ambry Genetics
Classification: Uncertain significance. Last evaluated: 2026-07-04. Review status: criteria provided, single submitter. Criteria: Ambry Variant Classification Scheme 2023. Collection method: clinical testing. Allele origin: germline.
Comment: The p.I759T variant (also known as c.2276T>C), located in coding exon 12 of the ATRIP gene, results from a T to C substitution at nucleotide position 2276. The isoleucine at codon 759 is replaced by threonine, an amino acid with similar properties. This amino acid position is conserved. In addition, the in silico prediction for this alteration is inconclusive. Based on the available evidence, the clinical significance of this variant remains unclear.

NM_130384.3(ATRIP):c.2276T>C (p.Ile759Thr)

Genes: ATRIP (ATR interacting protein; plus strand), ATRIP-TREX1 (ATRIP-TREX1 readthrough; plus strand). Cytogenetic location: 3p21.31.
Variant type: single nucleotide variant.
Coding change: c.2276T>C on transcript NM_130384.3 (MANE Select); coding-DNA position 2276, T replaced by C.
Protein change: p.Ile759Thr; replaces isoleucine 759 with threonine.
Molecular consequence: missense variant. On other transcripts: non-coding transcript variant (1).
Genome position (GRCh38, 1-based): chr3:48,465,051, T>C. VCF-style: chr3-48465051-T-C. GRCh37 (hg19) VCF-style: chr3-48506450-T-C.
Other names: c.1895T>C, p.Ile632Thr (NM_001271022.2); c.1997T>C, p.Ile666Thr (NM_001271023.2); c.2195T>C, p.Ile732Thr (NM_032166.4); short protein forms I732T, I632T, I666T, I759T.
Identifiers: ClinVar variation 5032418 (VCV005032418.1).